The following is an entry in ClinVar:

ClinVar aggregate classification (germline): Uncertain significance (1 of 4 stars; one submission).

Conditions:
Hereditary cancer-predisposing syndrome. Also called: Neoplastic Syndromes, Hereditary; Hereditary neoplastic syndrome; Tumor predisposition; Hereditary Cancer Syndrome. Identifiers: Orphanet 140162, MedGen C0027672, MeSH D009386, MONDO:0015356.

Submission:

Ambry Genetics
Classification: Uncertain significance for Hereditary cancer-predisposing syndrome. Last evaluated: 2023-02-12. Review status: criteria provided, single submitter. Criteria: Ambry Variant Classification Scheme 2023. Collection method: clinical testing. Allele origin: germline.
Comment: The p.S1528N variant (also known as c.4583G>A), located in coding exon 10 of the BRCA2 gene, results from a G to A substitution at nucleotide position 4583. The serine at codon 1528 is replaced by asparagine, an amino acid with highly similar properties. This amino acid position is conserved. In addition, the in silico prediction for this alteration is inconclusive. Since supporting evidence is limited at this time, the clinical significance of this alteration remains unclear.

NM_000059.4(BRCA2):c.4583G>A (p.Ser1528Asn)

Gene: BRCA2 (BRCA2 DNA repair associated; plus strand). Cytogenetic location: 13q13.1.
Variant type: single nucleotide variant.
Coding change: c.4583G>A on transcript NM_000059.4 (MANE Select); coding-DNA position 4583, G replaced by A.
Protein change: p.Ser1528Asn; replaces serine 1528 with asparagine.
Molecular consequence: missense variant. On other transcripts: non-coding transcript variant (1), intron variant (2).
Genome position (GRCh38, 1-based): chr13:32,338,938, G>A. VCF-style: chr13-32338938-G-A. GRCh37 (hg19) VCF-style: chr13-32913075-G-A.
Other names: c.4583G>A, p.Ser1528Asn (NM_001406719.1, NM_001406720.1); c.1909+5551G>A (NM_001406721.1); c.425-5620G>A (NM_001406722.1); short protein forms S1528N.
Identifiers: ClinVar variation 2468912 (VCV002468912.2), dbSNP rs2137507971, ClinGen allele CA387781909.